The following is an entry in ClinVar:

ClinVar aggregate classification (germline): Uncertain significance. Review status: criteria provided, multiple submitters, no conflicts (2 of 4 stars). 2 submissions from 2 submitters: Uncertain significance (2). Last evaluated 2025-12-15.

Conditions:
GNAS-related disorder. Identifiers: MedGen CN380105.

Submissions (2):

3billion
Classification: Uncertain significance for GNAS-related disorder. Last evaluated: 2025-12-15. Review status: criteria provided, single submitter. Criteria: ACMG Guidelines, 2015. Collection method: clinical testing. Allele origin: germline. Affected: yes.
Comment: The variant is not observed in the gnomAD v4.1.0 dataset. Predicted Consequence/Location: Missense variant In silico tool predictions suggest damaging effect of the variant on gene or gene product [REVEL: 0.91 (>=0.6, sensitivity 0.68 and specificity 0.92); 3Cnet: 0.99 (> 0.75, sensitivity 0.96 and precision 0.92)]. Different missense changes at the same codon (p.Val159Ala, p.Val159Met) have been reported to be associated with GNAS-related disorder (ClinVar ID: VCV003377298 /PMID: 11788646, 21910239). However the evidence of pathogenicity is insufficient at this time. Therefore, this variant is classified as VUS according to the recommendation of ACMG/AMP guideline.

Labcorp Genetics (formerly Invitae), Labcorp
Classification: Uncertain significance. Last evaluated: 2023-04-11. Review status: criteria provided, single submitter. Criteria: Invitae Variant Classification Sherloc (09022015). Collection method: clinical testing. Allele origin: germline.
Comment: This variant has not been reported in the literature in individuals affected with GNAS-related conditions. In summary, the available evidence is currently insufficient to determine the role of this variant in disease. Therefore, it has been classified as a Variant of Uncertain Significance. This variant disrupts the p.Val159 amino acid residue in GNAS. Other variant(s) that disrupt this residue have been determined to be pathogenic (PMID: 21910239). This suggests that this residue is clinically significant, and that variants that disrupt this residue are likely to be disease-causing. Advanced modeling of protein sequence and biophysical properties (such as structural, functional, and spatial information, amino acid conservation, physicochemical variation, residue mobility, and thermodynamic stability) performed at Invitae indicates that this missense variant is expected to disrupt GNAS protein function. This variant is not present in population databases (gnomAD no frequency). This sequence change replaces valine, which is neutral and non-polar, with glutamic acid, which is acidic and polar, at codon 159 of the GNAS protein (p.Val159Glu).

Literature cited by the submitters: PubMed 11788646 (cited by 3billion); PubMed 21910239 (cited by Labcorp Genetics (formerly Invitae), Labcorp).

NM_000516.7(GNAS):c.476T>A (p.Val159Glu)

Gene: GNAS (GNAS complex locus; plus strand). Cytogenetic location: 20q13.32.
Variant type: single nucleotide variant.
Coding change: c.476T>A on transcript NM_000516.7 (MANE Select); coding-DNA position 476, T replaced by A.
Protein change: p.Val159Glu; replaces valine 159 with glutamic acid.
Molecular consequence: missense variant. On other transcripts: 3 prime UTR variant (2).
Genome position (GRCh38, 1-based): chr20:58,905,426, T>A. VCF-style: chr20-58905426-T-A. GRCh37 (hg19) VCF-style: chr20-57480481-T-A.
Other names: c.479T>A, p.Val160Glu (NM_001077488.5); c.431T>A, p.Val144Glu (NM_001077489.4); c.*337T>A (NM_001077490.3); c.299T>A, p.Val100Glu (NM_001309840.2, NM_001309861.2); c.380T>A, p.Val127Glu (NM_001410912.1); c.2360T>A, p.Val787Glu (NM_001410913.1); c.*382T>A (NM_016592.5); c.2405T>A, p.Val802Glu (NM_080425.4); and 1 more; short protein forms V144E, V145E, V159E, V100E, V787E, V127E, V160E, V802E.
Identifiers: ClinVar variation 2855278 (VCV002855278.4), dbSNP rs2146209750, ClinGen allele CA409451173.